The following is an entry in ClinVar:

NM_000202.8(IDS):c.863T>C (p.Ile288Thr)

Genes: IDS (iduronate 2-sulfatase; minus strand), LOC106050102 (IDS recombination region; plus strand). Cytogenetic location: Xq28.
Variant type: single nucleotide variant.
Coding change: c.863T>C on transcript NM_000202.8 (MANE Select); coding-DNA position 863, T replaced by C.
Protein change: p.Ile288Thr; replaces isoleucine 288 with threonine.
Molecular consequence: missense variant. On other transcripts: non-coding transcript variant (1).
Genome position (GRCh38, 1-based): chrX:149,496,362, A>G on the plus strand (T>C on the coding strand, the complement: IDS is on the minus strand). VCF-style: chrX-149496362-A-G. GRCh37 (hg19) VCF-style: chrX-148577893-A-G.
Other names: c.593T>C, p.Ile198Thr (NM_001166550.4); c.863T>C, p.Ile288Thr (NM_006123.5); short protein forms I198T, I288T.
Identifiers: ClinVar variation 4739412 (VCV004739412.1).

ClinVar aggregate classification (germline): Uncertain significance (1 of 4 stars; one submission).

Conditions:
Mucopolysaccharidosis, MPS-II (MPS2). Also called: Attenuated MPS (subtype; formerly known as mild MPS II); Severe MPS II; I2S deficiency; MPS 2; Hunter Syndrome; IDURONATE 2-SULFATASE DEFICIENCY. Identifiers: Orphanet 580, Orphanet 79388, MedGen C0026705, MONDO:0010674, OMIM 309900.

gnomAD v4.1: 2 of 1,210,950 alleles (0.00017%); highest among the groups gnomAD compares: Non-Finnish European, 0.00022%; no homozygotes.

Submission:

Labcorp Genetics (formerly Invitae), Labcorp
Classification: Uncertain significance for Mucopolysaccharidosis, MPS-II. Last evaluated: 2025-03-18. Review status: criteria provided, single submitter. Criteria: Invitae Variant Classification Sherloc (09022015). Collection method: clinical testing. Allele origin: germline.
Comment: This sequence change replaces isoleucine, which is neutral and non-polar, with threonine, which is neutral and polar, at codon 288 of the IDS protein (p.Ile288Thr). This variant is not present in population databases (gnomAD no frequency). This variant has not been reported in the literature in individuals affected with IDS-related conditions. Invitae Evidence Modeling of protein sequence and biophysical properties (such as structural, functional, and spatial information, amino acid conservation, physicochemical variation, residue mobility, and thermodynamic stability) has been performed for this missense variant. However, the output from this modeling did not meet the statistical confidence thresholds required to predict the impact of this variant on IDS protein function. In summary, the available evidence is currently insufficient to determine the role of this variant in disease. Therefore, it has been classified as a Variant of Uncertain Significance.